The following is an entry in ClinVar:

ClinVar aggregate classification (germline): Uncertain significance (1 of 4 stars; one submission).

Conditions:
Charcot-Marie-Tooth disease dominant intermediate E. Also called: CHARCOT-MARIE-TOOTH NEUROPATHY WITH FOCAL SEGMENTAL GLOMERULONEPHRITIS. Identifiers: Orphanet 93114, MedGen C4302667, MONDO:0013758, OMIM 614455.
Focal segmental glomerulosclerosis 5 (FSGS5). Identifiers: Orphanet 656, MedGen C2750475, MONDO:0013191, OMIM 613237.

Allele frequency attached by ClinVar (database versions not stated): gnomAD exomes below 0.00001.
gnomAD v4.1: 2 of 1,611,836 alleles (0.00012%); highest among the groups gnomAD compares: Non-Finnish European, 0.00017%; no homozygotes.

Submission:

Labcorp Genetics (formerly Invitae), Labcorp
Classification: Uncertain significance for Charcot-Marie-Tooth disease dominant intermediate E; Focal segmental glomerulosclerosis 5. Last evaluated: 2020-05-26. Review status: criteria provided, single submitter. Criteria: Invitae Variant Classification Sherloc (09022015). Collection method: clinical testing. Allele origin: germline.
Comment: Algorithms developed to predict the effect of missense changes on protein structure and function output the following: SIFT: "Tolerated"; PolyPhen-2: "Possibly Damaging"; Align-GVGD: "Class C0". The valine amino acid residue is found in multiple mammalian species, suggesting that this missense change does not adversely affect protein function. These predictions have not been confirmed by published functional studies and their clinical significance is uncertain. This variant has not been reported in the literature in individuals with INF2-related conditions. This variant is not present in population databases (ExAC no frequency). This sequence change replaces isoleucine with valine at codon 222 of the INF2 protein (p.Ile222Val). The isoleucine residue is moderately conserved and there is a small physicochemical difference between isoleucine and valine. In summary, the available evidence is currently insufficient to determine the role of this variant in disease. Therefore, it has been classified as a Variant of Uncertain Significance.

NM_022489.4(INF2):c.664A>G (p.Ile222Val)

Gene: INF2 (inverted formin 2; plus strand). Cytogenetic location: 14q32.33.
Variant type: single nucleotide variant.
Coding change: c.664A>G on transcript NM_022489.4 (MANE Select); coding-DNA position 664, A replaced by G.
Protein change: p.Ile222Val; replaces isoleucine 222 with valine.
Molecular consequence: missense variant.
Genome position (GRCh38, 1-based): chr14:104,703,451, A>G. VCF-style: chr14-104703451-A-G. GRCh37 (hg19) VCF-style: chr14-105169788-A-G.
Other names: c.664A>G, p.Ile222Val (NM_001031714.4, NM_032714.3); short protein forms I222V.
Identifiers: ClinVar variation 1015260 (VCV001015260.8), dbSNP rs1889626323, ClinGen allele CA391213480.